The following is an entry in ClinVar:

ClinVar aggregate classification (germline): Uncertain significance (1 of 4 stars; one submission).

Submission:

Labcorp Genetics (formerly Invitae), Labcorp
Classification: Uncertain significance. Last evaluated: 2024-08-17. Review status: criteria provided, single submitter. Criteria: Invitae Variant Classification Sherloc (09022015). Collection method: clinical testing. Allele origin: germline.
Comment: This sequence change replaces isoleucine, which is neutral and non-polar, with asparagine, which is neutral and polar, at codon 588 of the ERBIN protein (p.Ile588Asn). This variant is not present in population databases (gnomAD no frequency). This variant has not been reported in the literature in individuals affected with ERBIN-related conditions. An algorithm developed to predict the effect of missense changes on protein structure and function (PolyPhen-2) suggests that this variant is likely to be tolerated. In summary, the available evidence is currently insufficient to determine the role of this variant in disease. Therefore, it has been classified as a Variant of Uncertain Significance.

NM_001253697.2(ERBIN):c.1763T>A (p.Ile588Asn)

Gene: ERBIN (erbb2 interacting protein; plus strand). Cytogenetic location: 5q12.3.
Variant type: single nucleotide variant.
Coding change: c.1763T>A on transcript NM_001253697.2 (MANE Select); coding-DNA position 1763, T replaced by A.
Protein change: p.Ile588Asn; replaces isoleucine 588 with asparagine.
Molecular consequence: missense variant.
Genome position (GRCh38, 1-based): chr5:66,046,513, T>A. VCF-style: chr5-66046513-T-A. GRCh37 (hg19) VCF-style: chr5-65342341-T-A.
Other names: c.1763T>A, p.Ile588Asn (NM_001006600.3, NM_001253698.2, NM_001253699.2 and 1 more transcripts); c.1751T>A, p.Ile584Asn (NM_001253701.2); short protein forms I588N, I584N.
Identifiers: ClinVar variation 3698452 (VCV003698452.2).